The following is an entry in ClinVar:

ClinVar aggregate classification (germline): Uncertain significance. Review status: criteria provided, multiple submitters, no conflicts (2 of 4 stars). 2 submissions from 2 submitters: Uncertain significance (2). Last evaluated 2026-06-23.

Conditions:
CDKN1C-related disorder. Also called: CDKN1C-related condition.
Beckwith-Wiedemann syndrome (BWS). Also called: EMG SYNDROME; Exomphalos macroglossia gigantism syndrome. Identifiers: Orphanet 116, MedGen C0004903, MONDO:0007534, OMIM 130650.

Allele frequency attached by ClinVar (database versions not stated): gnomAD exomes 0.00001.
gnomAD v4.1: 9 of 1,464,020 alleles (0.00061%); highest among the groups gnomAD compares: Non-Finnish European, 0.00081%; no homozygotes.

Submissions (2):

PreventionGenetics, part of Exact Sciences
Classification: Uncertain significance for CDKN1C-related condition. Last evaluated: 2026-06-23. Review status: criteria provided, single submitter. Criteria: ACMG Guidelines, 2015. Collection method: clinical testing. Allele origin: germline.
Comment: The CDKN1C c.688C>G variant is predicted to result in the amino acid substitution p.Gln230Glu. To our knowledge, this variant has not been reported in the literature or in a large population database (gnomAD), indicating this variant is rare. At this time, the clinical significance of this variant is uncertain due to the absence of conclusive functional and genetic evidence.

Labcorp Genetics (formerly Invitae), Labcorp
Classification: Uncertain significance for Beckwith-Wiedemann syndrome. Last evaluated: 2023-10-04. Review status: criteria provided, single submitter. Criteria: Invitae Variant Classification Sherloc (09022015). Collection method: clinical testing. Allele origin: germline.
Comment: This sequence change replaces glutamine, which is neutral and polar, with glutamic acid, which is acidic and polar, at codon 230 of the CDKN1C protein (p.Gln230Glu). This variant is not present in population databases (gnomAD no frequency). This variant has not been reported in the literature in individuals affected with CDKN1C-related conditions. Advanced modeling of protein sequence and biophysical properties (such as structural, functional, and spatial information, amino acid conservation, physicochemical variation, residue mobility, and thermodynamic stability) performed at Invitae indicates that this missense variant is not expected to disrupt CDKN1C protein function. In summary, the available evidence is currently insufficient to determine the role of this variant in disease. Therefore, it has been classified as a Variant of Uncertain Significance.

NM_001122630.2(CDKN1C):c.655C>G (p.Gln219Glu)

Gene: CDKN1C (cyclin dependent kinase inhibitor 1C; minus strand). Cytogenetic location: 11p15.4.
Variant type: single nucleotide variant.
Coding change: c.655C>G on transcript NM_001122630.2 (MANE Select); coding-DNA position 655, C replaced by G.
Protein change: p.Gln219Glu; replaces glutamine 219 with glutamic acid.
Molecular consequence: missense variant. On other transcripts: intron variant (1).
Genome position (GRCh38, 1-based): chr11:2,884,802, G>C on the plus strand (C>G on the coding strand, the complement: CDKN1C is on the minus strand). VCF-style: chr11-2884802-G-C. GRCh37 (hg19) VCF-style: chr11-2906032-G-C.
Other names: c.688C>G, p.Gln230Glu (NM_000076.2, NM_001362474.2); c.655C>G, p.Gln219Glu (NM_001122631.2); c.255+400C>G (NM_001362475.2); short protein forms Q230E, Q219E.
Identifiers: ClinVar variation 2736690 (VCV002736690.5), dbSNP rs483352988, ClinGen allele CA379145869.